The following is an entry in ClinVar:

ClinVar aggregate classification (germline): Uncertain significance. Review status: criteria provided, multiple submitters, no conflicts (2 of 4 stars). 2 submissions from 2 submitters: Uncertain significance (2). Last evaluated 2026-01-17.

Allele frequency attached by ClinVar (database versions not stated): gnomAD 0.00001; TOPMed 0.00002.

Submissions (2):

Labcorp Genetics (formerly Invitae), Labcorp
Classification: Uncertain significance. Last evaluated: 2026-01-17. Review status: criteria provided, single submitter. Criteria: Invitae Variant Classification Sherloc (09022015). Collection method: clinical testing. Allele origin: germline.
Comment: This sequence change replaces serine, which is neutral and polar, with asparagine, which is neutral and polar, at codon 679 of the NLRP1 protein (p.Ser679Asn). This variant is present in population databases (rs199567688, gnomAD 0.005%). This variant has not been reported in the literature in individuals affected with NLRP1-related conditions. ClinVar contains an entry for this variant (Variation ID: 932350). An algorithm developed to predict the effect of missense changes on protein structure and function outputs the following: PolyPhen-2: "Possibly Damaging". The asparagine amino acid residue is found in multiple mammalian species, which suggests that this missense change does not adversely affect protein function. In summary, the available evidence is currently insufficient to determine the role of this variant in disease. Therefore, it has been classified as a Variant of Uncertain Significance.

CeGaT Center for Human Genetics Tuebingen
Classification: Uncertain significance. Last evaluated: 2023-02-01. Review status: criteria provided, single submitter. Criteria: CeGaT Center For Human Genetics Tuebingen Variant Classification Criteria Version 2. Collection method: clinical testing. Allele origin: germline. Affected: yes. Observed: 2 variant alleles.
Comment: NLRP1: PM2, BP4

NM_033004.4(NLRP1):c.2036G>A (p.Ser679Asn)

Gene: NLRP1 (NLR family pyrin domain containing 1; minus strand). Cytogenetic location: 17p13.2.
Variant type: single nucleotide variant.
Coding change: c.2036G>A on transcript NM_033004.4 (MANE Select); coding-DNA position 2036, G replaced by A.
Protein change: p.Ser679Asn; replaces serine 679 with asparagine.
Molecular consequence: missense variant.
Genome position (GRCh38, 1-based): chr17:5,558,660, C>T on the plus strand (G>A on the coding strand, the complement: NLRP1 is on the minus strand). VCF-style: chr17-5558660-C-T. GRCh37 (hg19) VCF-style: chr17-5461980-C-T.
Other names: c.2036G>A, p.Ser679Asn (NM_001033053.3, NM_014922.5, NM_033006.4 and 1 more transcripts); short protein forms S679N.
Identifiers: ClinVar variation 932350 (VCV000932350.42), dbSNP rs199567688, ClinGen allele CA8327274.